The following is an entry in ClinVar:

NM_004292.3(RIN1):c.348C>T (p.Phe116=)

Gene: RIN1 (Ras and Rab interactor 1; minus strand). Cytogenetic location: 11q13.2.
Variant type: single nucleotide variant.
Coding change: c.348C>T on transcript NM_004292.3 (MANE Select); coding-DNA position 348, C replaced by T.
Protein change: p.Phe116=; no amino-acid change (phenylalanine 116 retained).
Molecular consequence: synonymous variant.
Genome position (GRCh38, 1-based): chr11:66,335,796, G>A on the plus strand (C>T on the coding strand, the complement: RIN1 is on the minus strand). VCF-style: chr11-66335796-G-A. GRCh37 (hg19) VCF-style: chr11-66103267-G-A.
Other names: c.264C>T, p.Phe88= (NM_001363559.2); c.348C>T, p.Phe116= (NM_001363560.2).
Identifiers: ClinVar variation 2641987 (VCV002641987.24), dbSNP rs760724156, ClinGen allele CA6119862.

ClinVar aggregate classification (germline): Likely benign (1 of 4 stars; one submission).

Allele frequency attached by ClinVar (database versions not stated): gnomAD 0.00001; TOPMed 0.00001; ExAC 0.00002.
gnomAD v4.1: 19 of 1,610,822 alleles (0.0012%); highest among the groups gnomAD compares: Middle Eastern, 0.016%; no homozygotes.

Submission:

CeGaT Center for Human Genetics Tuebingen
Classification: Likely benign. Last evaluated: 2022-10-01. Review status: criteria provided, single submitter. Criteria: CeGaT Center For Human Genetics Tuebingen Variant Classification Criteria Version 2. Collection method: clinical testing. Allele origin: germline. Affected: yes. Observed: 1 variant allele.
Comment: RIN1: BP4, BP7